The following is an entry in ClinVar:

NM_213720.3(CHCHD10):c.142A>C (p.Met48Leu)

Gene: CHCHD10 (coiled-coil-helix-coiled-coil-helix domain containing 10; minus strand). Cytogenetic location: 22q11.23.
Variant type: single nucleotide variant.
Coding change: c.142A>C on transcript NM_213720.3 (MANE Select); coding-DNA position 142, A replaced by C.
Protein change: p.Met48Leu; replaces methionine 48 with leucine.
Molecular consequence: missense variant. On other transcripts: non-coding transcript variant (1).
Genome position (GRCh38, 1-based): chr22:23,767,493, T>G on the plus strand (A>C on the coding strand, the complement: CHCHD10 is on the minus strand). VCF-style: chr22-23767493-T-G. GRCh37 (hg19) VCF-style: chr22-24109680-T-G.
Other names: c.142A>C, p.Met48Leu (NM_001301339.2); short protein forms M48L.
Identifiers: ClinVar variation 2574496 (VCV002574496.1), dbSNP rs2517622463, ClinGen allele CA410916528.

ClinVar aggregate classification (germline): Uncertain significance (1 of 4 stars; one submission).

Submission:

GeneDx
Classification: Uncertain significance. Last evaluated: 2023-01-30. Review status: criteria provided, single submitter. Criteria: GeneDx Variant Classification Process June 2021. Collection method: clinical testing. Allele origin: germline. Affected: yes.
Comment: Not observed at significant frequency in large population cohorts (gnomAD); In silico analysis supports that this missense variant has a deleterious effect on protein structure/function; Has not been previously published as pathogenic or benign to our knowledge